The following is an entry in ClinVar:

ClinVar aggregate classification (germline): Likely benign. Review status: criteria provided, multiple submitters, no conflicts (2 of 4 stars). 2 submissions from 2 submitters: Likely benign (2). Last evaluated 2025-02-06.

Conditions:
POLD1-related polyposis and colorectal cancer syndrome (CRCS10). Also called: Colorectal cancer 10; COLORECTAL CANCER, SUSCEPTIBILITY TO, ON CHROMOSOME 19q; Colorectal cancer, susceptibility to, 10. Identifiers: Orphanet 220460, MedGen C2675481, MONDO:0012953, OMIM 612591.

Submissions (2):

Myriad Genetics, Inc.
Classification: Likely benign for POLD1-related polyposis and colorectal cancer syndrome. Last evaluated: 2025-02-06. Review status: criteria provided, single submitter. Criteria: Myriad Autosomal Dominant, Autosomal Recessive and X-Linked Classification Criteria (2023). Collection method: clinical testing. Allele origin: unknown.
Comment: This variant is considered likely benign. This variant is intronic and is not expected to impact mRNA splicing.

Labcorp Genetics (formerly Invitae), Labcorp
Classification: Likely benign for POLD1-related polyposis and colorectal cancer syndrome. Last evaluated: 2024-05-15. Review status: criteria provided, single submitter. Criteria: Invitae Variant Classification Sherloc (09022015). Collection method: clinical testing. Allele origin: germline.

NM_002691.4(POLD1):c.1495-19C>T

Gene: POLD1 (DNA polymerase delta 1, catalytic subunit; plus strand). Cytogenetic location: 19q13.33.
Variant type: single nucleotide variant.
Coding change: c.1495-19C>T on transcript NM_002691.4 (MANE Select); 19 bases into the intron before coding-DNA position 1495, C replaced by T.
Molecular consequence: intron variant.
Genome position (GRCh38, 1-based): chr19:50,406,964, C>T. VCF-style: chr19-50406964-C-T. GRCh37 (hg19) VCF-style: chr19-50910221-C-T.
Other names: c.1495-19C>T (NM_001256849.1, NM_001308632.1).
Identifiers: ClinVar variation 2917572 (VCV002917572.4), dbSNP rs2038909408, ClinGen allele CA2739276959.